The following is an entry in ClinVar:

ClinVar aggregate classification (germline): Uncertain significance (1 of 4 stars; one submission).

Allele frequency attached by ClinVar (database versions not stated): ExAC 0.00001; TOPMed 0.00001.

Submission:

GeneDx
Classification: Uncertain significance. Last evaluated: 2023-01-31. Review status: criteria provided, single submitter. Criteria: GeneDx Variant Classification Process June 2021. Collection method: clinical testing. Allele origin: germline. Affected: yes.
Comment: Canonical splice site variant in a gene for which loss of function is not a well-established mechanism of disease; Not observed at significant frequency in large population cohorts (gnomAD); Has not been previously published as pathogenic or benign to our knowledge

NM_170682.4(P2RX2):c.996+2T>A

Gene: P2RX2 (purinergic receptor P2X 2; plus strand). Cytogenetic location: 12q24.33.
Variant type: single nucleotide variant.
Coding change: c.996+2T>A on transcript NM_170682.4 (MANE Select); the canonical splice donor site of the intron after coding-DNA position 996, T replaced by A.
Molecular consequence: splice donor variant. On other transcripts: missense variant (1).
Genome position (GRCh38, 1-based): chr12:132,621,347, T>A. VCF-style: chr12-132621347-T-A. GRCh37 (hg19) VCF-style: chr12-133197933-T-A.
Other names: c.998T>A, p.Val333Glu (NM_001282165.2); c.996+2T>A (NM_170683.4, NM_174873.3); c.924+2T>A (NM_016318.4); c.894+2T>A (NM_001282164.2); c.780+2T>A (NM_012226.5); c.720+2T>A (NM_174872.3); short protein forms V333E.
Identifiers: ClinVar variation 2574193 (VCV002574193.1), dbSNP rs779057259, ClinGen allele CA6891750.